The following is an entry in ClinVar:

NM_006343.3(MERTK):c.1465G>T (p.Ala489Ser)

Gene: MERTK (MER proto-oncogene, tyrosine kinase; plus strand). Cytogenetic location: 2q13.
Variant type: single nucleotide variant.
Coding change: c.1465G>T on transcript NM_006343.3 (MANE Select); coding-DNA position 1465, G replaced by T.
Protein change: p.Ala489Ser; replaces alanine 489 with serine.
Molecular consequence: missense variant.
Genome position (GRCh38, 1-based): chr2:111,997,337, G>T. VCF-style: chr2-111997337-G-T. GRCh37 (hg19) VCF-style: chr2-112754914-G-T.
Other names: short protein forms A489S.
Identifiers: ClinVar variation 1917861 (VCV001917861.5), dbSNP rs140650643, ClinGen allele CA1831438.

ClinVar aggregate classification (germline): Uncertain significance (1 of 4 stars; one submission).

Allele frequency attached by ClinVar (database versions not stated): ExAC 0.00001; ESP Exome Variant Server 0.00008.
gnomAD v4.1: 1 of 1,614,096 alleles (0.000062%); no homozygotes.

Submission:

Labcorp Genetics (formerly Invitae), Labcorp
Classification: Uncertain significance. Last evaluated: 2022-03-20. Review status: criteria provided, single submitter. Criteria: Invitae Variant Classification Sherloc (09022015). Collection method: clinical testing. Allele origin: germline.
Comment: In summary, the available evidence is currently insufficient to determine the role of this variant in disease. Therefore, it has been classified as a Variant of Uncertain Significance. Algorithms developed to predict the effect of missense changes on protein structure and function are either unavailable or do not agree on the potential impact of this missense change (SIFT: "Deleterious"; PolyPhen-2: "Benign"; Align-GVGD: "Class C65"). This variant has not been reported in the literature in individuals affected with MERTK-related conditions. This variant is present in population databases (rs140650643, gnomAD 0.002%). This sequence change replaces alanine, which is neutral and non-polar, with serine, which is neutral and polar, at codon 489 of the MERTK protein (p.Ala489Ser).